The following is an entry in ClinVar:

NM_007294.4(BRCA1):c.693G>T (p.Thr231=)

Gene: BRCA1 (BRCA1 DNA repair associated; minus strand). Cytogenetic location: 17q21.31.
Variant type: single nucleotide variant.
Coding change: c.693G>T on transcript NM_007294.4 (MANE Select); coding-DNA position 693, G replaced by T.
Protein change: p.Thr231=; no amino-acid change (threonine 231 retained).
Molecular consequence: synonymous variant. On other transcripts: 5 prime UTR variant (2), intron variant (13).
Genome position (GRCh38, 1-based): chr17:43,094,838, C>A on the plus strand (G>T on the coding strand, the complement: BRCA1 is on the minus strand). VCF-style: chr17-43094838-C-A. GRCh37 (hg19) VCF-style: chr17-41246855-C-A.
Other names: c.549G>T, p.Thr183= (NM_001407748.1, NM_001407749.1, NM_001407838.1 and 26 more transcripts); c.552G>T, p.Thr184= (NM_001407750.1, NM_001407751.1, NM_001407752.1 and 43 more transcripts); c.480G>T, p.Thr160= (NM_001407853.1, NM_001407894.1, NM_001407895.1 and 12 more transcripts); c.693G>T, p.Thr231= (NM_001407854.1, NM_001407858.1, NM_001407859.1 and 54 more transcripts); c.690G>T, p.Thr230= (NM_001407860.1, NM_001407861.1, NM_001407587.1 and 38 more transcripts); c.492G>T, p.Thr164= (NM_001407862.1, NM_001408474.1, NM_001408476.1); c.570G>T, p.Thr190= (NM_001407863.1, NM_001407919.1, NM_001407937.1 and 34 more transcripts); c.489G>T, p.Thr163= (NM_001407874.1, NM_001407875.1, NM_001408475.1); and 20 more.
Identifiers: ClinVar variation 55671 (VCV000055671.4), dbSNP rs62625298, ClinGen allele CA003818.

ClinVar aggregate classification (germline): Likely benign (3 of 4 stars; one submission).

Conditions:
Breast-ovarian cancer, familial, susceptibility to, 1 (BROVCA1). Also called: BRCA1 Hereditary Breast and Ovarian Cancer; OVARIAN CANCER, SUSCEPTIBILITY TO. Identifiers: Orphanet 145, MedGen C2676676, MONDO:0011450, OMIM 604370. Disease mechanism: loss of function.

Submission:

Evidence-based Network for the Interpretation of Germline Mutant Alleles (ENIGMA)
Classification: Likely benign for Breast-ovarian cancer, familial, susceptibility to, 1. Last evaluated: 2017-06-29. Review status: reviewed by expert panel. Criteria: ENIGMA BRCA1/2 Classification Criteria (2017-06-29). Collection method: curation. Allele origin: germline.
Comment: Synonymous substitution variant, with low bioinformatic likelihood to result in a splicing aberration (Splicing prior probability 0.02).